The following is an entry in ClinVar:

NM_001145715.3(KPNA7):c.568T>G (p.Phe190Val)

Gene: KPNA7 (karyopherin subunit alpha 7; minus strand). Cytogenetic location: 7q22.1.
Variant type: single nucleotide variant.
Coding change: c.568T>G on transcript NM_001145715.3 (MANE Select); coding-DNA position 568, T replaced by G.
Protein change: p.Phe190Val; replaces phenylalanine 190 with valine.
Molecular consequence: missense variant.
Genome position (GRCh38, 1-based): chr7:99,193,087, A>C on the plus strand (T>G on the coding strand, the complement: KPNA7 is on the minus strand). VCF-style: chr7-99193087-A-C. GRCh37 (hg19) VCF-style: chr7-98790710-A-C.
Other names: short protein forms F190V.
Identifiers: ClinVar variation 642535 (VCV000642535.9), dbSNP rs188239934, ClinGen allele CA163746377.
Genomic context (GRCh38, chr7:99,193,087, plus strand): 5'-TGGGTGAAATCAAGGCTAGGAGATGTGGGATGGCATTGCTTGTGATGACGTTATCTCTGA[A>C]CTCTGGGCCATCACCTACAAATAGAGCAGAATGTGACATTTAGAGAGAGAACAAAGACAA-3'
Protein context (NP_001139187.1, residues 180-200): LGNIAGDGPE[Phe190Val]RDNVITSNAI

ClinVar aggregate classification (germline): Uncertain significance. Review status: criteria provided, multiple submitters, no conflicts (2 of 4 stars). 2 submissions from 2 submitters: Uncertain significance (2). Last evaluated 2025-06-10.

Allele frequency attached by ClinVar (database versions not stated): gnomAD 0.00007 and 0.00006; 1000 Genomes Project 30x 0.00047; gnomAD exomes 0.00010 and 0.00002; TOPMed 0.00008; 1000 Genomes Project 0.00060.
gnomAD v4.1: 31 of 1,498,398 alleles (0.0021%); highest among the groups gnomAD compares: Admixed American, 0.057%; no homozygotes.

Submissions (2):

Ambry Genetics
Classification: Uncertain significance. Last evaluated: 2025-06-10. Review status: criteria provided, single submitter. Criteria: Ambry Variant Classification Scheme 2023. Collection method: clinical testing. Allele origin: germline.

Labcorp Genetics (formerly Invitae), Labcorp
Classification: Uncertain significance. Last evaluated: 2022-09-06. Review status: criteria provided, single submitter. Criteria: Invitae Variant Classification Sherloc (09022015). Collection method: clinical testing. Allele origin: germline.
Comment: This sequence change replaces phenylalanine, which is neutral and non-polar, with valine, which is neutral and non-polar, at codon 190 of the KPNA7 protein (p.Phe190Val). This variant is present in population databases (rs188239934, gnomAD 0.07%). This variant has not been reported in the literature in individuals affected with KPNA7-related conditions. ClinVar contains an entry for this variant (Variation ID: 642535). Algorithms developed to predict the effect of missense changes on protein structure and function are either unavailable or do not agree on the potential impact of this missense change (SIFT: "Tolerated"; PolyPhen-2: "Probably Damaging"; Align-GVGD: "Class C0"). Algorithms developed to predict the effect of sequence changes on RNA splicing suggest that this variant may create or strengthen a splice site. In summary, the available evidence is currently insufficient to determine the role of this variant in disease. Therefore, it has been classified as a Variant of Uncertain Significance.